The following is an entry in ClinVar:

NM_015533.4(TKFC):c.1383C>G (p.Pro461=)

Gene: TKFC (triokinase and FMN cyclase; plus strand). Cytogenetic location: 11q12.2.
Variant type: single nucleotide variant.
Coding change: c.1383C>G on transcript NM_015533.4 (MANE Select); coding-DNA position 1383, C replaced by G.
Protein change: p.Pro461=; no amino-acid change (proline 461 retained).
Molecular consequence: synonymous variant.
Genome position (GRCh38, 1-based): chr11:61,345,497, C>G. VCF-style: chr11-61345497-C-G. GRCh37 (hg19) VCF-style: chr11-61112969-C-G.
Other names: c.1383C>G, p.Pro461= (NM_001351976.2, NM_001351977.2, NM_001351978.2 and 1 more transcripts); c.1173C>G, p.Pro391= (NM_001351980.2).
Identifiers: ClinVar variation 2641825 (VCV002641825.24), dbSNP rs1443530048, ClinGen allele CA474524364.

ClinVar aggregate classification (germline): Likely benign (1 of 4 stars; one submission).

Allele frequency attached by ClinVar (database versions not stated): gnomAD 0.00001; gnomAD exomes 0.00001; TOPMed 0.00001.
gnomAD v4.1: 14 of 1,613,280 alleles (0.00087%); highest among the groups gnomAD compares: Non-Finnish European, 0.0012%; no homozygotes.

Submission:

CeGaT Center for Human Genetics Tuebingen
Classification: Likely benign. Last evaluated: 2022-03-01. Review status: criteria provided, single submitter. Criteria: CeGaT Center For Human Genetics Tuebingen Variant Classification Criteria Version 2. Collection method: clinical testing. Allele origin: germline. Affected: yes. Observed: 1 variant allele.
Comment: TKFC: BP4, BP7